The following is an entry in ClinVar:

NM_000260.4(MYO7A):c.2283-11T>A

Gene: MYO7A (myosin VIIA; plus strand). Cytogenetic location: 11q13.5.
Variant type: single nucleotide variant.
Coding change: c.2283-11T>A on transcript NM_000260.4 (MANE Select); 11 bases into the intron before coding-DNA position 2283, T replaced by A.
Molecular consequence: intron variant.
Genome position (GRCh38, 1-based): chr11:77,179,034, T>A. VCF-style: chr11-77179034-T-A. GRCh37 (hg19) VCF-style: chr11-76890080-T-A.
Other names: c.2250-11T>A (NM_001369365.1); c.2283-11T>A (NM_001127180.2).
Identifiers: ClinVar variation 2009360 (VCV002009360.1), dbSNP rs1197928332, ClinGen allele CA1984120782.
Genomic context (GRCh38, chr11:77,179,034, plus strand): 5'-CTGATCCCAAACCCACCTGTACCCTGGCTGCCTCTGGACACTGCTCACCCGCGCCACTAC[T>A]GCTGTTTCAGGTCTAACTTTCTGAAGCTGAAGAACGCTGCCACACTGATCCAGAGGCACT-3'

ClinVar aggregate classification (germline): Uncertain significance (1 of 4 stars; one submission).

Allele frequency attached by ClinVar (database versions not stated): gnomAD exomes below 0.00001.
gnomAD v4.1: 1 of 1,596,640 alleles (0.000063%); highest among the groups gnomAD compares: African/African-American, 0.0013%; no homozygotes.

Submission:

Labcorp Genetics (formerly Invitae), Labcorp
Classification: Uncertain significance. Last evaluated: 2022-07-19. Review status: criteria provided, single submitter. Criteria: Invitae Variant Classification Sherloc (09022015). Collection method: clinical testing. Allele origin: germline.
Comment: This sequence change falls in intron 19 of the MYO7A gene. It does not directly change the encoded amino acid sequence of the MYO7A protein. This variant is not present in population databases (gnomAD no frequency). This variant has not been reported in the literature in individuals affected with MYO7A-related conditions. Algorithms developed to predict the effect of sequence changes on RNA splicing suggest that this variant may disrupt the consensus splice site. In summary, the available evidence is currently insufficient to determine the role of this variant in disease. Therefore, it has been classified as a Variant of Uncertain Significance.